The following is an entry in ClinVar:

NM_152269.5(MTRFR):c.464_465dup (p.Lys156fs)

Gene: MTRFR (mitochondrial translation release factor in rescue; plus strand). Cytogenetic location: 12q24.31.
Variant type: Duplication.
Coding change: c.464_465dup on transcript NM_152269.5 (MANE Select); coding-DNA positions 464 to 465, 2 bases duplicated (TT; older notation c.464_465dupTT).
Protein change: p.Lys156fs; shifts the reading frame from lysine 156.
Molecular consequence: frameshift variant.
Genome position (GRCh38, 1-based): chr12:123,256,994-123,256,995, TT duplicated. VCF-style (leftmost placement, unchanged base first): chr12-123256993-C-CTT. GRCh37 (hg19) VCF-style: chr12-123741540-C-CTT.
Other names: c.464_465dup, p.Lys156fs (NM_001143905.2, NM_001194995.1); short protein forms K156fs.
Identifiers: ClinVar variation 3764072 (VCV003764072.2).

ClinVar aggregate classification (germline): Uncertain significance (1 of 4 stars; one submission).

Conditions:
Spastic paraplegia. Identifiers: MedGen C0037772, HP:0001258.
Combined oxidative phosphorylation defect type 7. Identifiers: Orphanet 254930, MedGen C3150801, MONDO:0013306, OMIM 613559.

Submission:

Labcorp Genetics (formerly Invitae), Labcorp
Classification: Uncertain significance for Combined oxidative phosphorylation defect type 7; Spastic paraplegia. Last evaluated: 2024-11-06. Review status: criteria provided, single submitter. Criteria: Invitae Variant Classification Sherloc (09022015). Collection method: clinical testing. Allele origin: germline.
Comment: This sequence change results in a frameshift in the C12orf65 gene (p.Lys156Leufs*21). While this is not anticipated to result in nonsense mediated decay, it is expected to disrupt the last 11 amino acid(s) of the C12orf65 protein and extend the protein by 9 additional amino acid residues. This variant is present in population databases (rs769526083, gnomAD 0.003%). This variant has not been reported in the literature in individuals affected with C12orf65-related conditions. Experimental studies and prediction algorithms are not available or were not evaluated, and the functional significance of this variant is currently unknown. In summary, the available evidence is currently insufficient to determine the role of this variant in disease. Therefore, it has been classified as a Variant of Uncertain Significance.